The following is an entry in ClinVar:

NM_018089.3(ANKZF1):c.1804-1G>A

Gene: ANKZF1 (ankyrin repeat and zinc finger peptidyl tRNA hydrolase 1; plus strand). Cytogenetic location: 2q35.
Variant type: single nucleotide variant.
Coding change: c.1804-1G>A on transcript NM_018089.3 (MANE Select); the canonical splice acceptor site of the intron before coding-DNA position 1804, G replaced by A.
Molecular consequence: splice acceptor variant.
Genome position (GRCh38, 1-based): chr2:219,235,707, G>A. VCF-style: chr2-219235707-G-A. GRCh37 (hg19) VCF-style: chr2-220100429-G-A.
Other names: c.1804-1G>A (NM_001042410.2); c.1174-1G>A (NM_001282792.2).
Identifiers: ClinVar variation 2957539 (VCV002957539.3), dbSNP rs1951196026, ClinGen allele CA350685040.
Genomic context (GRCh38, chr2:219,235,707, plus strand): 5'-TTCTACTTCTTGCAGTTTTACCAAAGATAACTTATAGGGTCTTATATTTGAAATCCTCCA[G>A]GTGCCAGGACCATTGACACCAGAAATGGAGGCACGGCAGGCTACACGGAAAAGGGAGCAG-3'

ClinVar aggregate classification (germline): Uncertain significance (1 of 4 stars; one submission).

Allele frequency attached by ClinVar (database versions not stated): gnomAD exomes below 0.00001; TOPMed below 0.00001.
gnomAD v4.1: 1 of 1,613,898 alleles (0.000062%); highest among the groups gnomAD compares: Non-Finnish European, 0.000085%; no homozygotes.

Submission:

Labcorp Genetics (formerly Invitae), Labcorp
Classification: Uncertain significance. Last evaluated: 2023-06-11. Review status: criteria provided, single submitter. Criteria: Invitae Variant Classification Sherloc (09022015). Collection method: clinical testing. Allele origin: germline.
Comment: This sequence change affects an acceptor splice site in intron 11 of the ANKZF1 gene. It is expected to disrupt RNA splicing. Variants that disrupt the donor or acceptor splice site typically lead to a loss of protein function (PMID: 16199547), however the current clinical and genetic evidence is not sufficient to establish whether loss-of-function variants in ANKZF1 cause disease. This variant is not present in population databases (gnomAD no frequency). This variant has not been reported in the literature in individuals affected with ANKZF1-related conditions. Algorithms developed to predict the effect of sequence changes on RNA splicing suggest that this variant may disrupt the consensus splice site. In summary, the available evidence is currently insufficient to determine the role of this variant in disease. Therefore, it has been classified as a Variant of Uncertain Significance.

Literature cited by the submitters: PubMed 16199547.